The following is an entry in ClinVar:

ClinVar aggregate classification (germline): Uncertain significance (1 of 4 stars; one submission).

Allele frequency attached by ClinVar (database versions not stated): TOPMed below 0.00001; ExAC 0.00001; ESP Exome Variant Server 0.00008.

Submission:

Labcorp Genetics (formerly Invitae), Labcorp
Classification: Uncertain significance. Last evaluated: 2022-11-22. Review status: criteria provided, single submitter. Criteria: Invitae Variant Classification Sherloc (09022015). Collection method: clinical testing. Allele origin: germline.
Comment: In summary, the available evidence is currently insufficient to determine the role of this variant in disease. Therefore, it has been classified as a Variant of Uncertain Significance. Advanced modeling of protein sequence and biophysical properties (such as structural, functional, and spatial information, amino acid conservation, physicochemical variation, residue mobility, and thermodynamic stability) performed at Invitae indicates that this missense variant is expected to disrupt WDR62 protein function. This variant has not been reported in the literature in individuals affected with WDR62-related conditions. This variant is not present in population databases (gnomAD no frequency). This sequence change replaces valine, which is neutral and non-polar, with methionine, which is neutral and non-polar, at codon 171 of the WDR62 protein (p.Val171Met).

NM_001083961.2(WDR62):c.511G>A (p.Val171Met)

Gene: WDR62 (WD repeat domain 62; plus strand). Cytogenetic location: 19q13.12.
Variant type: single nucleotide variant.
Coding change: c.511G>A on transcript NM_001083961.2 (MANE Select); coding-DNA position 511, G replaced by A.
Protein change: p.Val171Met; replaces valine 171 with methionine.
Molecular consequence: missense variant.
Genome position (GRCh38, 1-based): chr19:36,066,377, G>A. VCF-style: chr19-36066377-G-A. GRCh37 (hg19) VCF-style: chr19-36557279-G-A.
Other names: c.511G>A, p.Val171Met (NM_001411145.1, NM_001411146.1, NM_001411147.1 and 1 more transcripts); short protein forms V171M.
Identifiers: ClinVar variation 1919427 (VCV001919427.5), dbSNP rs139320257, ClinGen allele CA9395309.